The following is an entry in ClinVar:

ClinVar aggregate classification (germline): Uncertain significance. Review status: criteria provided, multiple submitters, no conflicts (2 of 4 stars). 2 submissions from 2 submitters: Uncertain significance (2). Last evaluated 2024-04-04.

Conditions:
Tumoral calcinosis, hyperphosphatemic, familial, 1. Also called: CALCINOSIS, TUMORAL, WITH HYPERPHOSPHATEMIA; LIPOCALCINOGRANULOMATOSIS; MORBUS TEUTSCHLAENDER; TEUTSCHLAENDER DISEASE, FAMILIAL; TUMORAL CALCINOSIS, PRIMARY HYPERPHOSPHATEMIC; HYPEROSTOSIS WITH HYPERPHOSPHATEMIA. Identifiers: Orphanet 53715, MedGen C4692564, MONDO:0100252, OMIM 211900.

Allele frequency attached by ClinVar (database versions not stated): gnomAD exomes below 0.00001 and 0.00001; ExAC 0.00001; gnomAD 0.00001; TOPMed 0.00001; ESP Exome Variant Server 0.00008.
gnomAD v4.1: 8 of 1,613,246 alleles (0.0005%); highest among the groups gnomAD compares: African/African-American, 0.0067%; no homozygotes.

Submissions (2):

Fulgent Genetics
Classification: Uncertain significance for Tumoral calcinosis, hyperphosphatemic, familial, 1. Last evaluated: 2024-04-04. Review status: criteria provided, single submitter. Criteria: ACMG Guidelines, 2015. Collection method: clinical testing. Allele origin: germline.

Labcorp Genetics (formerly Invitae), Labcorp
Classification: Uncertain significance. Last evaluated: 2022-10-17. Review status: criteria provided, single submitter. Criteria: Invitae Variant Classification Sherloc (09022015). Collection method: clinical testing. Allele origin: germline.
Comment: This sequence change falls in intron 9 of the GALNT3 gene. It does not directly change the encoded amino acid sequence of the GALNT3 protein. It affects a nucleotide within the consensus splice site. This variant is present in population databases (rs373125597, gnomAD 0.01%). This variant has not been reported in the literature in individuals affected with GALNT3-related conditions. ClinVar contains an entry for this variant (Variation ID: 1507043). Variants that disrupt the consensus splice site are a relatively common cause of aberrant splicing (PMID: 17576681, 9536098). Algorithms developed to predict the effect of sequence changes on RNA splicing suggest that this variant is not likely to affect RNA splicing. In summary, the available evidence is currently insufficient to determine the role of this variant in disease. Therefore, it has been classified as a Variant of Uncertain Significance.

Literature cited by the submitters: PubMed 17576681 (cited by Labcorp Genetics (formerly Invitae), Labcorp); PubMed 9536098 (cited by Labcorp Genetics (formerly Invitae), Labcorp).

NM_004482.4(GALNT3):c.1627-3T>C

Gene: GALNT3 (polypeptide N-acetylgalactosaminyltransferase 3; minus strand). Cytogenetic location: 2q24.3.
Variant type: single nucleotide variant.
Coding change: c.1627-3T>C on transcript NM_004482.4 (MANE Select); 3 bases into the intron before coding-DNA position 1627, T replaced by C.
Molecular consequence: intron variant.
Genome position (GRCh38, 1-based): chr2:165,749,897, A>G on the plus strand (T>C on the coding strand, the complement: GALNT3 is on the minus strand). VCF-style: chr2-165749897-A-G. GRCh37 (hg19) VCF-style: chr2-166606407-A-G.
Identifiers: ClinVar variation 1507043 (VCV001507043.4), dbSNP rs373125597, ClinGen allele CA1940884.
Genomic context (GRCh38, chr2:165,749,897, plus strand): 5'-GACATAATTCCTTCTGGATGTTGTGCCGAATTTCATGTTGAGCAGAGTATTCAAAGTACT[A>G]TGGAAGGAATAGCACTGTTACTGACAAAAGCAACCCATGTGCTCAGTTGCAAAATAAATA-3'